The following is an entry in ClinVar:

NM_001029883.3(PCARE):c.3172A>G (p.Asn1058Asp)

Gene: PCARE (photoreceptor cilium actin regulator; minus strand). Cytogenetic location: 2p23.2.
Variant type: single nucleotide variant.
Coding change: c.3172A>G on transcript NM_001029883.3 (MANE Select); coding-DNA position 3172, A replaced by G.
Protein change: p.Asn1058Asp; replaces asparagine 1058 with aspartic acid.
Molecular consequence: missense variant.
Genome position (GRCh38, 1-based): chr2:29,071,090, T>C on the plus strand (A>G on the coding strand, the complement: PCARE is on the minus strand). VCF-style: chr2-29071090-T-C. GRCh37 (hg19) VCF-style: chr2-29293956-T-C.
Other names: short protein forms N1058D.
Identifiers: ClinVar variation 1480992 (VCV001480992.6), dbSNP rs2148415061, ClinGen allele CA346475665.
Genomic context (GRCh38, chr2:29,071,090, plus strand): 5'-GGTGCTGGGTTGGGGGGCTGGGGACCTTGCACTGAGCAGGTGCACTCTCGGGGGGAGGGT[T>C]GGGCAACTTGGGCTGGTGCGGTGGGGAAGTTCGCCGCTTTGTGGTGGGTGGGCTTAGCAC-3'
Protein context (NP_001025054.1, residues 1048-1068): TSPPHQPKLP[Asn1058Asp]PPPESAPAQC

ClinVar aggregate classification (germline): Uncertain significance (1 of 4 stars; one submission).

Submission:

Labcorp Genetics (formerly Invitae), Labcorp
Classification: Uncertain significance. Last evaluated: 2023-10-03. Review status: criteria provided, single submitter. Criteria: Invitae Variant Classification Sherloc (09022015). Collection method: clinical testing. Allele origin: germline.
Comment: This sequence change replaces asparagine, which is neutral and polar, with aspartic acid, which is acidic and polar, at codon 1058 of the PCARE protein (p.Asn1058Asp). This variant is not present in population databases (gnomAD no frequency). This variant has not been reported in the literature in individuals affected with PCARE-related conditions. ClinVar contains an entry for this variant (Variation ID: 1480992). An algorithm developed to predict the effect of missense changes on protein structure and function (PolyPhen-2) suggests that this variant is likely to be tolerated. In summary, the available evidence is currently insufficient to determine the role of this variant in disease. Therefore, it has been classified as a Variant of Uncertain Significance.